The following is an entry in ClinVar:

NM_021831.6(AGBL5):c.770C>T (p.Pro257Leu)

Gene: AGBL5 (AGBL carboxypeptidase 5; plus strand). Cytogenetic location: 2p23.3.
Variant type: single nucleotide variant.
Coding change: c.770C>T on transcript NM_021831.6 (MANE Select); coding-DNA position 770, C replaced by T.
Protein change: p.Pro257Leu; replaces proline 257 with leucine.
Molecular consequence: missense variant. On other transcripts: non-coding transcript variant (2).
Genome position (GRCh38, 1-based): chr2:27,055,115, C>T. VCF-style: chr2-27055115-C-T. GRCh37 (hg19) VCF-style: chr2-27277983-C-T.
Other names: c.770C>T, p.Pro257Leu (NM_001035506.1, NM_001035507.3); short protein forms P257L.
Identifiers: ClinVar variation 1967955 (VCV001967955.5), dbSNP rs2465454610, ClinGen allele CA346175103.

ClinVar aggregate classification (germline): Uncertain significance (1 of 4 stars; one submission).

Submission:

Labcorp Genetics (formerly Invitae), Labcorp
Classification: Uncertain significance. Last evaluated: 2022-04-18. Review status: criteria provided, single submitter. Criteria: Invitae Variant Classification Sherloc (09022015). Collection method: clinical testing. Allele origin: germline.
Comment: This sequence change replaces proline, which is neutral and non-polar, with leucine, which is neutral and non-polar, at codon 257 of the AGBL5 protein (p.Pro257Leu). In summary, the available evidence is currently insufficient to determine the role of this variant in disease. Therefore, it has been classified as a Variant of Uncertain Significance. Algorithms developed to predict the effect of missense changes on protein structure and function are either unavailable or do not agree on the potential impact of this missense change (SIFT: "Deleterious"; PolyPhen-2: "Probably Damaging"; Align-GVGD: "Class C15"). This variant has not been reported in the literature in individuals affected with AGBL5-related conditions. This variant is not present in population databases (gnomAD no frequency).